The following is an entry in ClinVar:

NM_006949.4(STXBP2):c.429+1G>C

Gene: STXBP2 (syntaxin binding protein 2; plus strand). Cytogenetic location: 19p13.2.
Variant type: single nucleotide variant.
Coding change: c.429+1G>C on transcript NM_006949.4 (MANE Select); the canonical splice donor site of the intron after coding-DNA position 429, G replaced by C.
Molecular consequence: splice donor variant.
Genome position (GRCh38, 1-based): chr19:7,641,004, G>C. VCF-style: chr19-7641004-G-C. GRCh37 (hg19) VCF-style: chr19-7705890-G-C.
Other names: c.333+1G>C (NM_001414484.1); c.462+1G>C (NM_001272034.2); c.420+1G>C (NM_001127396.3).
Identifiers: ClinVar variation 2734574 (VCV002734574.3), dbSNP rs2512692673, ClinGen allele CA403157783.

ClinVar aggregate classification (germline): Likely pathogenic (1 of 4 stars; one submission).

Conditions:
Familial hemophagocytic lymphohistiocytosis 5. Also called: STXBP2-Related Familial Hemophagocytic Lymphohistiocytosis (STXBP2-fHLH). Identifiers: Orphanet 540, MedGen C2751293, MONDO:0013135, OMIM 613101.

Submission:

Labcorp Genetics (formerly Invitae), Labcorp
Classification: Likely pathogenic for Familial hemophagocytic lymphohistiocytosis 5. Last evaluated: 2023-07-02. Review status: criteria provided, single submitter. Criteria: Invitae Variant Classification Sherloc (09022015). Collection method: clinical testing. Allele origin: germline.
Comment: This sequence change affects a donor splice site in intron 6 of the STXBP2 gene. It is expected to disrupt RNA splicing. Variants that disrupt the donor or acceptor splice site typically lead to a loss of protein function (PMID: 16199547), and loss-of-function variants in STXBP2 are known to be pathogenic (PMID: 19804848, 22451424). This variant is not present in population databases (gnomAD no frequency). This variant has not been reported in the literature in individuals affected with STXBP2-related conditions. Algorithms developed to predict the effect of sequence changes on RNA splicing suggest that this variant may disrupt the consensus splice site. In summary, the currently available evidence indicates that the variant is pathogenic, but additional data are needed to prove that conclusively. Therefore, this variant has been classified as Likely Pathogenic.

Literature cited by the submitters: PubMed 16199547; PubMed 19804848; PubMed 22451424.